The following is an entry in ClinVar:

ClinVar aggregate classification (germline): Benign. Review status: criteria provided, multiple submitters, no conflicts (2 of 4 stars). 3 submissions from 3 submitters: Benign (3). Last evaluated 2018-11-12.

Conditions:
Short stature due to growth hormone secretagogue receptor deficiency (GHDP). Also called: Short stature due to GHSR deficiency. Identifiers: Orphanet 314811, MedGen C5887324, MONDO:0014403, OMIM 615925.

Allele frequency attached by ClinVar (database versions not stated): 1000 Genomes Project 0.58886; 1000 Genomes Project 30x 0.59057; gnomAD 0.67776; TOPMed 0.68296.

Submissions (3):

GeneDx
Classification: Benign. Last evaluated: 2018-11-12. Review status: criteria provided, single submitter. Criteria: GeneDx Variant Classification Process June 2021. Collection method: clinical testing. Allele origin: germline. Affected: yes.

Illumina Laboratory Services, Illumina
Classification: Benign for Short stature due to growth hormone secretagogue receptor deficiency. Last evaluated: 2018-01-12. Review status: criteria provided, single submitter. Criteria: ICSL Variant Classification Criteria 13 December 2019. Collection method: clinical testing. Allele origin: germline.
Comment: This variant was observed in the ICSL laboratory as part of a predisposition screen in an ostensibly healthy population. It had not been previously curated by ICSL or reported in the Human Gene Mutation Database (HGMD: prior to June 1st, 2018), and was therefore a candidate for classification through an automated scoring system. Utilizing variant allele frequency, disease prevalence and penetrance estimates, and inheritance mode, an automated score was calculated to assess if this variant is too frequent to cause the disease. Based on the score and internal cut-off values, a variant classified as benign is not then subjected to further curation. The score for this variant resulted in a classification of benign for this disease.

Breakthrough Genomics
Classification: Benign. Review status: criteria provided, single submitter. Criteria: ACMG Guidelines, 2015. Collection method: not provided. Allele origin: germline. Inheritance: Autosomal dominant inheritance. Affected: yes.

NM_198407.2(GHSR):c.*122C>T

Gene: GHSR (growth hormone secretagogue receptor; minus strand). Cytogenetic location: 3q26.31.
Variant type: single nucleotide variant.
Coding change: c.*122C>T on transcript NM_198407.2 (MANE Select); 122 bases downstream of the stop codon, C replaced by T.
Molecular consequence: 3 prime UTR variant.
Genome position (GRCh38, 1-based): chr3:172,445,039, G>A on the plus strand (C>T on the coding strand, the complement: GHSR is on the minus strand). VCF-style: chr3-172445039-G-A. GRCh37 (hg19) VCF-style: chr3-172162829-G-A.
Identifiers: ClinVar variation 344196 (VCV000344196.8), dbSNP rs482204, ClinGen allele CA10615840.